The following is an entry in ClinVar:

ClinVar aggregate classification (germline): Benign/Likely benign. Review status: criteria provided, multiple submitters, no conflicts (2 of 4 stars). 4 submissions from 4 submitters: Benign (1); Likely benign (3). Last evaluated 2025-06-17.

Conditions:
Hereditary cancer-predisposing syndrome. Also called: Hereditary Cancer Syndrome; Neoplastic Syndromes, Hereditary; Tumor predisposition; Hereditary neoplastic syndrome. Identifiers: Orphanet 140162, MedGen C0027672, MeSH D009386, MONDO:0015356.
Peutz-Jeghers syndrome (PJS). Also called: POLYPOSIS, HAMARTOMATOUS INTESTINAL; POLYPS-AND-SPOTS SYNDROME; Peutz-Jeghers polyposis; Periorificial lentiginosis syndrome. Identifiers: Orphanet 2869, MedGen C0031269, MeSH D010580, MONDO:0008280, OMIM 175200.

Allele frequency attached by ClinVar (database versions not stated): gnomAD exomes below 0.00001 and 0.00001; TOPMed below 0.00001; gnomAD 0.00001.
gnomAD v4.1: 8 of 1,613,368 alleles (0.0005%); highest among the groups gnomAD compares: Admixed American, 0.0017%; no homozygotes.

Submissions (4):

Color Diagnostics, LLC DBA Color Health
Classification: Likely benign for Hereditary cancer-predisposing syndrome. Last evaluated: 2025-06-17. Review status: criteria provided, single submitter. Criteria: ACMG Guidelines, 2015. Collection method: clinical testing. Allele origin: germline.

Myriad Genetics, Inc.
Classification: Benign for Peutz-Jeghers syndrome. Last evaluated: 2025-03-25. Review status: criteria provided, single submitter. Criteria: Myriad Autosomal Dominant, Autosomal Recessive and X-Linked Classification Criteria (2023). Collection method: clinical testing. Allele origin: unknown.
Comment: This variant is considered benign. This variant is a silent/synonymous amino acid change and it is not expected to impact splicing.

Labcorp Genetics (formerly Invitae), Labcorp
Classification: Likely benign for Peutz-Jeghers syndrome. Last evaluated: 2025-01-28. Review status: criteria provided, single submitter. Criteria: Invitae Variant Classification Sherloc (09022015). Collection method: clinical testing. Allele origin: germline.

Ambry Genetics
Classification: Likely benign for Hereditary cancer-predisposing syndrome. Last evaluated: 2016-10-27. Review status: criteria provided, single submitter. Criteria: Ambry Variant Classification Scheme 2023. Collection method: clinical testing. Allele origin: germline.

NM_000455.5(STK11):c.225G>A (p.Arg75=)

Gene: STK11 (serine/threonine kinase 11; plus strand). Cytogenetic location: 19p13.3.
Variant type: single nucleotide variant.
Coding change: c.225G>A on transcript NM_000455.5 (MANE Select); coding-DNA position 225, G replaced by A.
Protein change: p.Arg75=; no amino-acid change (arginine 75 retained).
Molecular consequence: synonymous variant.
Genome position (GRCh38, 1-based): chr19:1,207,138, G>A. VCF-style: chr19-1207138-G-A. GRCh37 (hg19) VCF-style: chr19-1207137-G-A.
Identifiers: ClinVar variation 187640 (VCV000187640.17), dbSNP rs786203886, ClinGen allele CA022735.